The following is an entry in ClinVar:

ClinVar aggregate classification (germline): Likely benign (1 of 4 stars; one submission).

gnomAD v4.1: 48 of 1,526,484 alleles (0.0031%); highest among the groups gnomAD compares: South Asian, 0.019%; no homozygotes.

Submission:

CeGaT Center for Human Genetics Tuebingen
Classification: Likely benign. Last evaluated: 2025-04-01. Review status: criteria provided, single submitter. Criteria: CeGaT Center For Human Genetics Tuebingen Variant Classification Criteria Version 2. Collection method: clinical testing. Allele origin: germline. Affected: yes. Observed: 1 variant allele.
Comment: ZFHX2: BP4, BP7

NM_033400.3(ZFHX2):c.2685C>T (p.Arg895=)

Genes: THTPA (thiamine triphosphatase; plus strand), ZFHX2 (zinc finger homeobox 2; minus strand). Cytogenetic location: 14q11.2.
Variant type: single nucleotide variant.
Coding change: c.2685C>T on transcript NM_033400.3 (MANE Select); coding-DNA position 2685, C replaced by T.
Protein change: p.Arg895=; no amino-acid change (arginine 895 retained).
Molecular consequence: synonymous variant.
Genome position (GRCh38, 1-based): chr14:23,531,596, G>A on the plus strand (C>T on the coding strand, the complement: ZFHX2 is on the minus strand). VCF-style: chr14-23531596-G-A. GRCh37 (hg19) VCF-style: chr14-24000805-G-A.
Identifiers: ClinVar variation 3898400 (VCV003898400.7).